The following is an entry in ClinVar:

ClinVar aggregate classification (germline): Uncertain significance (1 of 4 stars; one submission).

Conditions:
Melnick-Fraser syndrome (BOR). Also called: Branchio-oto-renal syndrome; Branchiootorenal Syndrome (BORS); Branchiootorenal syndrome. Identifiers: Orphanet 107, MedGen C0265234, MONDO:0007029.

Allele frequency attached by ClinVar (database versions not stated): gnomAD exomes 0.00002.
gnomAD v4.1: 5 of 1,613,420 alleles (0.00031%); highest among the groups gnomAD compares: South Asian, 0.0033%; no homozygotes.

Submission:

Labcorp Genetics (formerly Invitae), Labcorp
Classification: Uncertain significance for Melnick-Fraser syndrome. Last evaluated: 2020-08-20. Review status: criteria provided, single submitter. Criteria: Invitae Variant Classification Sherloc (09022015). Collection method: clinical testing. Allele origin: germline.
Comment: This variant has not been reported in the literature in individuals with EYA1-related conditions. In summary, the available evidence is currently insufficient to determine the role of this variant in disease. Therefore, it has been classified as a Variant of Uncertain Significance. Algorithms developed to predict the effect of missense changes on protein structure and function (SIFT, PolyPhen-2, Align-GVGD) all suggest that this variant is likely to be disruptive, but these predictions have not been confirmed by published functional studies and their clinical significance is uncertain. This variant is not present in population databases (ExAC no frequency). This sequence change replaces arginine with tryptophan at codon 492 of the EYA1 protein (p.Arg492Trp). The arginine residue is highly conserved and there is a moderate physicochemical difference between arginine and tryptophan.

NM_000503.6(EYA1):c.1474C>T (p.Arg492Trp)

Gene: EYA1 (EYA transcriptional coactivator and phosphatase 1; minus strand). Cytogenetic location: 8q13.3.
Variant type: single nucleotide variant.
Coding change: c.1474C>T on transcript NM_000503.6 (MANE Select); coding-DNA position 1474, C replaced by T.
Protein change: p.Arg492Trp; replaces arginine 492 with tryptophan.
Molecular consequence: missense variant.
Genome position (GRCh38, 1-based): chr8:71,215,615, G>A on the plus strand (C>T on the coding strand, the complement: EYA1 is on the minus strand). VCF-style: chr8-71215615-G-A. GRCh37 (hg19) VCF-style: chr8-72127850-G-A.
Other names: c.1456C>T, p.Arg486Trp (NM_001288574.2, NM_172059.5); c.1108C>T, p.Arg370Trp (NM_001288575.2); c.1561C>T, p.Arg521Trp (NM_001370333.1); c.1474C>T, p.Arg492Trp (NM_001370334.1, NM_001370335.1, NM_172058.4); c.1453C>T, p.Arg485Trp (NM_001370336.1); short protein forms R370W, R485W, R486W, R492W, R521W.
Identifiers: ClinVar variation 1005605 (VCV001005605.8), dbSNP rs1226367549, ClinGen allele CA371466320.